The following is an entry in ClinVar:

ClinVar aggregate classification (germline): Conflicting classifications of pathogenicity. Review status: criteria provided, conflicting classifications (1 of 4 stars). 7 submissions from 7 submitters: Uncertain significance (1); Benign (2); Likely benign (3). 1 of the submissions does not count toward it. Last evaluated 2026-01-27.

Conditions:
BRIP1-related disorder. Also called: BRIP1-related condition; BRIP1-related disorders. Identifiers: MedGen CN239206.
Hereditary cancer-predisposing syndrome. Also called: Tumor predisposition; Hereditary neoplastic syndrome; Neoplastic Syndromes, Hereditary; Hereditary Cancer Syndrome. Identifiers: Orphanet 140162, MedGen C0027672, MeSH D009386, MONDO:0015356.
Familial cancer of breast. Also called: BREAST CANCER, FAMILIAL; Hereditary breast cancer; hereditary breast carcinoma. Identifiers: Orphanet 227535, MedGen C0346153, MONDO:0016419, OMIM 114480. Disease mechanism: loss of function.
Fanconi anemia complementation group J. Also called: BRIP1-Related Fanconi Anemia. Identifiers: Orphanet 84, MedGen C1836860, MONDO:0012187, OMIM 609054.

Allele frequency attached by ClinVar (database versions not stated): gnomAD exomes below 0.00001 and 0.00001; ExAC 0.00001; gnomAD 0.00001; TOPMed 0.00003; ESP Exome Variant Server 0.00023.
gnomAD v4.1: 6 of 1,613,836 alleles (0.00037%); highest among the groups gnomAD compares: African/African-American, 0.0027%; no homozygotes.

Submissions (7):

Labcorp Genetics (formerly Invitae), Labcorp
Classification: Likely benign for Familial cancer of breast; Fanconi anemia complementation group J. Last evaluated: 2026-01-27. Review status: criteria provided, single submitter. Criteria: Invitae Variant Classification Sherloc (09022015). Collection method: clinical testing. Allele origin: germline.

Quest Diagnostics Nichols Institute San Juan Capistrano
Classification: Uncertain significance. Last evaluated: 2025-02-28. Review status: criteria provided, single submitter. Criteria: Quest Diagnostics criteria. Collection method: clinical testing. Allele origin: unknown.
Comment: The BRIP1 c.2310T>C (p.Asp770=) synonymous variant has not been reported in individuals with BRIP1-related conditions in the published literature. The frequency of this variant in the general population (Genome Aggregation Database) is uninformative in the assessment of its pathogenicity. Analysis of this variant using software algorithms for the prediction of the effect of nucleotide changes on splicing yielded predictions that this variant does not affect BRIP1 mRNA splicing. Based on the available information, we are unable to determine the clinical significance of this variant.

Myriad Genetics, Inc.
Classification: Benign for Familial cancer of breast. Last evaluated: 2024-09-04. Review status: criteria provided, single submitter. Criteria: Myriad Autosomal Dominant, Autosomal Recessive and X-Linked Classification Criteria (2023). Collection method: clinical testing. Allele origin: unknown.
Comment: This variant is considered benign. This variant is a silent/synonymous amino acid change and it is not expected to impact splicing.

Color Diagnostics, LLC DBA Color Health
Classification: Likely benign for Hereditary cancer-predisposing syndrome. Last evaluated: 2016-09-01. Review status: criteria provided, single submitter. Criteria: ACMG Guidelines, 2015. Collection method: clinical testing. Allele origin: germline.

Ambry Genetics
Classification: Likely benign for Hereditary cancer-predisposing syndrome. Last evaluated: 2016-02-04. Review status: criteria provided, single submitter. Criteria: Ambry Variant Classification Scheme 2023. Collection method: clinical testing. Allele origin: germline.

GeneDx
Classification: Benign. Last evaluated: 2014-02-25. Review status: criteria provided, single submitter. Criteria: GeneDx Variant Classification (06012015). Collection method: clinical testing. Allele origin: germline. Affected: yes.
Comment: This variant is considered likely benign or benign based on one or more of the following criteria: it is a conservative change, it occurs at a poorly conserved position in the protein, it is predicted to be benign by multiple in silico algorithms, and/or has population frequency not consistent with disease.

PreventionGenetics, part of Exact Sciences
Classification: Likely benign for BRIP1-related condition. Last evaluated: 2021-11-10. Review status: no assertion criteria provided. Collection method: clinical testing. Allele origin: germline. Not counted in ClinVar's aggregate classification.
Comment: This variant is classified as likely benign based on ACMG/AMP sequence variant interpretation guidelines (Richards et al. 2015 PMID: 25741868, with internal and published modifications).

NM_032043.3(BRIP1):c.2310T>C (p.Asp770=)

Gene: BRIP1 (BRCA1 interacting DNA helicase 1; minus strand). Cytogenetic location: 17q23.2.
Variant type: single nucleotide variant.
Coding change: c.2310T>C on transcript NM_032043.3 (MANE Select); coding-DNA position 2310, T replaced by C.
Protein change: p.Asp770=; no amino-acid change (aspartic acid 770 retained).
Molecular consequence: synonymous variant.
Genome position (GRCh38, 1-based): chr17:61,743,082, A>G on the plus strand (T>C on the coding strand, the complement: BRIP1 is on the minus strand). VCF-style: chr17-61743082-A-G. GRCh37 (hg19) VCF-style: chr17-59820443-A-G.
Other names: p.D770D:GAT>GAC.
Identifiers: ClinVar variation 136576 (VCV000136576.24), dbSNP rs148752066, ClinGen allele CA289737.